The following is an entry in ClinVar:

ClinVar aggregate classification (germline): Pathogenic/Likely pathogenic. Review status: criteria provided, multiple submitters, no conflicts (2 of 4 stars). 17 submissions from 17 submitters: Pathogenic (12); Likely pathogenic (2). 3 of the submissions do not count toward it. Last evaluated 2025-10-30.

Conditions:
Joint hypermobility. Also called: Joint hyperflexibility. Identifiers: MedGen C1862377, HP:0001382.
Bulbous nose. Identifiers: MedGen C0240543, HP:0000414.
Depressed nasal bridge. Also called: Flattened nasal bridge; low nasal bridge; Flat nasal bridge. Identifiers: MedGen C1836542, HP:0005280.
Abnormal facial shape. Also called: Dysmorphic facies; Dysmorphic facial features. Identifiers: MedGen C0424503, HP:0001999.
Tapered finger. Also called: Tapering fingers; Tapered fingers. Identifiers: MedGen C0426886, HP:0001182.
Coarse facial features. Identifiers: MedGen C1845847, HP:0000280.
Thick upper lip vermilion. Identifiers: MedGen C1846423, HP:0000215.
Abnormality of the face. Identifiers: MedGen C4025871, HP:0000271.
Low anterior hairline. Identifiers: MedGen C1842366, HP:0000294.
Micrognathia. Also called: Mandibular hypoplasia. Identifiers: MedGen C0025990, HP:0000347.
Macrocephaly. Also called: large head; Macrocephalus. Identifiers: MedGen C2243051, HP:0000256.
Left ventricular hypertrophy. Identifiers: MedGen C0149721, HP:0001712.
Patent ductus arteriosus. Identifiers: MedGen C0013274, MONDO:0011827, HP:0001643.
Large hands. Identifiers: MedGen C0426870, HP:0001176.
Epicanthus. Also called: Epicanthal fold. Identifiers: MedGen C0678230, OMIM 131500, HP:0000286.
ABCC9-related disorder. Also called: ABCC9-related disorders; ABCC9-related condition.
Hypertrichotic osteochondrodysplasia Cantu type. Also called: Cantu Syndrome; Cantú Syndrome. Identifiers: Orphanet 1517, MedGen C0795905, MONDO:0009406, OMIM 239850.
Dilated cardiomyopathy 1O (CMD1O). Also called: CARDIOMYOPATHY, DILATED, WITH VENTRICULAR TACHYCARDIA. Identifiers: Orphanet 154, MedGen C1837839, MONDO:0012062, OMIM 608569.

Submissions 1 to 11 of 17:

3billion
Classification: Pathogenic for Hypertrichotic osteochondrodysplasia Cantu type. Last evaluated: 2025-10-30. Review status: criteria provided, single submitter. Criteria: ACMG Guidelines, 2015. Collection method: clinical testing. Allele origin: germline. Affected: yes.
Comment: The variant is not observed in the gnomAD v4.1.0 dataset. Predicted Consequence/Location: Missense variant. Missense changes are a common disease-causing mechanism. In silico tool predictions suggest damaging effect of the variant on gene or gene product [REVEL: 0.89 (>=0.6, sensitivity 0.68 and specificity 0.92); 3Cnet: 0.83 (> 0.75, sensitivity 0.96 and precision 0.92)]. The same nucleotide change resulting in the same amino acid change has been previously reported as pathogenic/likely pathogenic with strong evidence (ClinVar ID: VCV000031946 /PMID: 22608503). Different missense changes at the same codon (p.Arg1154Gln, p.Arg1154Gly) have been reported as pathogenic/likely pathogenic with strong evidence (ClinVar ID: VCV000031947, VCV000265666 /PMID: 31828977 /3billion dataset). Therefore, this variant is classified as Pathogenic according to the recommendation of ACMG/AMP guideline.

Institute of Human Genetics, University of Leipzig Medical Center
Classification: Pathogenic for Hypertrichotic osteochondrodysplasia Cantu type. Last evaluated: 2025-07-18. Review status: criteria provided, single submitter. Criteria: ACMG Guidelines, 2015. Collection method: clinical testing. Allele origin: de novo. Inheritance: Autosomal dominant inheritance. Affected: yes.
Comment: Criteria applied: PS2_VSTR,PS4,PM5_STR,PM2,PS3_SUP,PM1_SUP,PP2,PP3

Dasa
Classification: Pathogenic. Last evaluated: 2024-09-30. Review status: criteria provided, single submitter. Criteria: DASA Assertion Criteria. Collection method: clinical testing. Allele origin: germline.
Comment: NM_020297.4(ABCC9):c.3460C>T (p.Arg1154Trp) is a missense variant that results in the substitution of arginine with tryptophan. The affected residue or protein region has prior evidence supporting clinical relevance. This variant has been reported in individuals with related phenotype. De novo occurrence has been reported in an individual with related phenotype. Multiple computational predictions support a deleterious effect on the gene or gene product. The variant is present at low frequency in population datasets. Based on the available data, this variant is classified as pathogenic.

Labcorp Genetics (formerly Invitae), Labcorp
Classification: Pathogenic for Dilated cardiomyopathy 1O. Last evaluated: 2023-02-11. Review status: criteria provided, single submitter. Criteria: Invitae Variant Classification Sherloc (09022015). Collection method: clinical testing. Allele origin: germline.
Comment: Advanced modeling of protein sequence and biophysical properties (such as structural, functional, and spatial information, amino acid conservation, physicochemical variation, residue mobility, and thermodynamic stability) performed at Invitae indicates that this missense variant is expected to disrupt ABCC9 protein function. For these reasons, this variant has been classified as Pathogenic. This variant disrupts the p.Arg1154 amino acid residue in ABCC9. Other variant(s) that disrupt this residue have been determined to be pathogenic (PMID: 22608503, 22610116, 23307537). This suggests that this residue is clinically significant, and that variants that disrupt this residue are likely to be disease-causing. Algorithms developed to predict the effect of sequence changes on RNA splicing suggest that this variant may disrupt the consensus splice site. ClinVar contains an entry for this variant (Variation ID: 31946). This missense change has been observed in individual(s) with clinical features of Cantu syndrome (PMID: 22608503, 22610116, 25790160, 26656175, 26871653). In at least one individual the variant was observed to be de novo. This variant is not present in population databases (gnomAD no frequency). This sequence change replaces arginine, which is basic and polar, with tryptophan, which is neutral and slightly polar, at codon 1154 of the ABCC9 protein (p.Arg1154Trp).

Revvity Omics, Revvity
Classification: Pathogenic. Last evaluated: 2023-02-01. Review status: criteria provided, single submitter. Criteria: ACMG Guidelines, 2015. Collection method: clinical testing. Allele origin: germline.

GeneDx
Classification: Pathogenic. Last evaluated: 2022-06-27. Review status: criteria provided, single submitter. Criteria: GeneDx Variant Classification Process June 2021. Collection method: clinical testing. Allele origin: germline. Affected: yes.
Comment: Not observed at significant frequency in large population cohorts (gnomAD); In silico analysis, which includes protein predictors and evolutionary conservation, supports a deleterious effect; This variant is associated with the following publications: (PMID: 26656175, 28690487, 27316244, 29275331, 31030551, 31828977, 34056838, 32065455, 25790160, 26871653, 22610116, 22608503)

Clinical Genetics Laboratory, Skane University Hospital Lund
Classification: Likely pathogenic. Last evaluated: 2022-05-27. Review status: criteria provided, single submitter. Criteria: ACMG Guidelines, 2015. Collection method: clinical testing. Allele origin: germline. Affected: yes.

Institute of Human Genetics Munich, TUM University Hospital
Classification: Pathogenic for Hypertrichotic osteochondrodysplasia Cantu type. Last evaluated: 2020-02-25. Review status: criteria provided, single submitter. Criteria: Classification criteria August 2017. Collection method: clinical testing. Allele origin: de novo. Inheritance: Autosomal dominant inheritance. Affected: yes. Observed: 1 heterozygote.

Illumina Laboratory Services, Illumina
Classification: Pathogenic for Hypertrichotic osteochondrodysplasia Cantu type. Last evaluated: 2019-08-30. Review status: criteria provided, single submitter. Criteria: ICSLVariantClassificationCriteria RUGD 01 April 2020. Collection method: clinical testing. Allele origin: unknown.
Comment: The ABCC9 c.3640C>T (p.Arg1154Trp) variant is a missense variant that is located in the second transmembrane domain of ABCC9. This variant has been reported in a heterozygous de novo state in five unrelated individuals with Cantu syndrome (van Bon et al. 2012; Harakalova et al. 2012; Afifi et al. 2016). The p.Arg1154Trp variant is not reported in the Genome Aggregation Database in a region of good sequence coverage, suggesting that it is a rare variant. Another missense change at the same residue, p.Arg1154Gln, has also been reported to be pathogenic for Cantu syndrome (van Bon et al. 2012; Harakalova et al. 2012). Based on the collective evidence and the application of the ACMG criteria, the p.Arg1154Trp variant is classified as pathogenic for Cantu syndrome.

Knight Diagnostic Laboratories, Oregon Health and Sciences University
Classification: Pathogenic for Thick upper lip vermilion; Large hands; Left ventricular hypertrophy; Low anterior hairline; Tapered finger; Bulbous nose; Joint hypermobility; Patent ductus arteriosus; Coarse facial features; Macrocephaly; Epicanthus; Depressed nasal bridge; Micrognathia; Abnormal facial shape; Abnormality of the face. Last evaluated: 2018-06-04. Review status: criteria provided, single submitter. Criteria: ACMG Guidelines, 2015. Collection method: clinical testing. Allele origin: germline. Observed: 1 variant allele.

Blueprint Genetics
Classification: Pathogenic for ABCC9-related disorders. Last evaluated: 2018-04-25. Review status: criteria provided, single submitter. Criteria: ACMG Guidelines, 2015. Collection method: clinical testing. Allele origin: germline. Affected: yes. Observed: 1 variant allele.

NM_020297.4(ABCC9):c.3460C>T (p.Arg1154Trp)

Gene: ABCC9 (ATP binding cassette subfamily C member 9; minus strand). Cytogenetic location: 12p12.1.
Variant type: single nucleotide variant.
Coding change: c.3460C>T on transcript NM_020297.4 (MANE Select); coding-DNA position 3460, C replaced by T.
Protein change: p.Arg1154Trp; replaces arginine 1154 with tryptophan.
Molecular consequence: missense variant.
Genome position (GRCh38, 1-based): chr12:21,842,327, G>A on the plus strand (C>T on the coding strand, the complement: ABCC9 is on the minus strand). VCF-style: chr12-21842327-G-A. GRCh37 (hg19) VCF-style: chr12-21995261-G-A.
Other names: c.3460C>T, p.Arg1154Trp (NM_001377273.1, NM_005691.4); c.2593C>T, p.Arg865Trp (NM_001377274.1); c.3460C>T (NM_005691.2); short protein forms R1154W, R865W.
Identifiers: ClinVar variation 31946 (VCV000031946.35), dbSNP rs387907208, ClinGen allele CA260058.